The following is an entry in ClinVar:

NM_144651.5(PXDNL):c.4239C>T (p.Asp1413=)

Gene: PXDNL (peroxidasin like; minus strand). Cytogenetic location: 8q11.22.
Variant type: single nucleotide variant.
Coding change: c.4239C>T on transcript NM_144651.5 (MANE Select); coding-DNA position 4239, C replaced by T.
Protein change: p.Asp1413=; no amino-acid change (aspartic acid 1413 retained).
Molecular consequence: synonymous variant.
Genome position (GRCh38, 1-based): chr8:51,320,805, G>A on the plus strand (C>T on the coding strand, the complement: PXDNL is on the minus strand). VCF-style: chr8-51320805-G-A. GRCh37 (hg19) VCF-style: chr8-52233365-G-A.
Identifiers: ClinVar variation 716090 (VCV000716090.5), dbSNP rs180687856, ClinGen allele CA4744526.

ClinVar aggregate classification (germline): Benign. Review status: criteria provided, single submitter (1 of 4 stars). 2 submissions from 2 submitters: Benign (1). 1 of the submissions does not count toward it. Last evaluated 2018-05-21.

Conditions:
PXDNL-related disorder. Also called: PXDNL-related condition.

Allele frequency attached by ClinVar (database versions not stated): gnomAD exomes 0.00036; ExAC 0.00041; ESP Exome Variant Server 0.00066; gnomAD 0.00161 and 0.00173; TOPMed 0.00169; 1000 Genomes Project 0.00180; 1000 Genomes Project 30x 0.00187.
gnomAD v4.1: 482 of 1,613,758 alleles (0.03%); highest among the groups gnomAD compares: African/African-American, 0.56%; 2 homozygotes.

Submissions (2):

Labcorp Genetics (formerly Invitae), Labcorp
Classification: Benign. Last evaluated: 2018-05-21. Review status: criteria provided, single submitter. Criteria: Invitae Variant Classification Sherloc (09022015). Collection method: clinical testing. Allele origin: germline.

PreventionGenetics, part of Exact Sciences
Classification: Likely benign for PXDNL-related condition. Last evaluated: 2019-04-04. Review status: no assertion criteria provided. Collection method: clinical testing. Allele origin: germline. Not counted in ClinVar's aggregate classification.
Comment: This variant is classified as likely benign based on ACMG/AMP sequence variant interpretation guidelines (Richards et al. 2015 PMID: 25741868, with internal and published modifications).